The following is an entry in ClinVar:

NM_000026.4(ADSL):c.869G>A (p.Ser290Asn)

Gene: ADSL (adenylosuccinate lyase; plus strand). Cytogenetic location: 22q13.1.
Variant type: single nucleotide variant.
Coding change: c.869G>A on transcript NM_000026.4 (MANE Select); coding-DNA position 869, G replaced by A.
Protein change: p.Ser290Asn; replaces serine 290 with asparagine.
Molecular consequence: missense variant. On other transcripts: non-coding transcript variant (1).
Genome position (GRCh38, 1-based): chr22:40,361,494, G>A. VCF-style: chr22-40361494-G-A. GRCh37 (hg19) VCF-style: chr22-40757498-G-A.
Other names: c.869G>A, p.Ser290Asn (NM_001123378.3, NM_001363840.3); c.677G>A, p.Ser226Asn (NM_001317923.2); short protein forms S290N, S226N.
Identifiers: ClinVar variation 949305 (VCV000949305.9), dbSNP rs2044788172, ClinGen allele CA411643775.

ClinVar aggregate classification (germline): Uncertain significance (1 of 4 stars; one submission).

Conditions:
Adenylosuccinate lyase deficiency (ADSLD). Also called: ADSL DEFICIENCY. Identifiers: Orphanet 46, MedGen C0268126, MONDO:0007068, OMIM 103050.

Submission:

Labcorp Genetics (formerly Invitae), Labcorp
Classification: Uncertain significance for Adenylosuccinate lyase deficiency. Last evaluated: 2022-01-11. Review status: criteria provided, single submitter. Criteria: Invitae Variant Classification Sherloc (09022015). Collection method: clinical testing. Allele origin: germline.
Comment: In summary, the available evidence is currently insufficient to determine the role of this variant in disease. Therefore, it has been classified as a Variant of Uncertain Significance. Advanced modeling of protein sequence and biophysical properties (such as structural, functional, and spatial information, amino acid conservation, physicochemical variation, residue mobility, and thermodynamic stability) performed at Invitae indicates that this missense variant is not expected to disrupt ADSL protein function. ClinVar contains an entry for this variant (Variation ID: 949305). This variant has not been reported in the literature in individuals affected with ADSL-related conditions. This variant is not present in population databases (gnomAD no frequency). This sequence change replaces serine, which is neutral and polar, with asparagine, which is neutral and polar, at codon 290 of the ADSL protein (p.Ser290Asn).